The following is an entry in ClinVar:

NM_003803.4(MYOM1):c.3792G>C (p.Met1264Ile)

Gene: MYOM1 (myomesin 1; minus strand). Cytogenetic location: 18p11.31.
Variant type: single nucleotide variant.
Coding change: c.3792G>C on transcript NM_003803.4 (MANE Select); coding-DNA position 3792, G replaced by C.
Protein change: p.Met1264Ile; replaces methionine 1264 with isoleucine.
Molecular consequence: missense variant.
Genome position (GRCh38, 1-based): chr18:3,094,242, C>G on the plus strand (G>C on the coding strand, the complement: MYOM1 is on the minus strand). VCF-style: chr18-3094242-C-G. GRCh37 (hg19) VCF-style: chr18-3094240-C-G.
Other names: c.3504G>C, p.Met1168Ile (NM_019856.2); short protein forms M1168I, M1264I.
Identifiers: ClinVar variation 5025270 (VCV005025270.1).

ClinVar aggregate classification (germline): Uncertain significance (1 of 4 stars; one submission).

Submission:

Ambry Genetics
Classification: Uncertain significance. Last evaluated: 2026-07-10. Review status: criteria provided, single submitter. Criteria: Ambry Variant Classification Scheme 2023. Collection method: clinical testing. Allele origin: germline.
Comment: The p.M1264I variant (also known as c.3792G>C), located in coding exon 25 of the MYOM1 gene, results from a G to C substitution at nucleotide position 3792. The methionine at codon 1264 is replaced by isoleucine, an amino acid with highly similar properties. This amino acid position is conserved. In addition, this alteration is predicted to be tolerated by in silico analysis. Based on the available evidence, the clinical significance of this variant remains unclear.